The following is an entry in ClinVar:

NM_001330078.2(NRXN1):c.773-19C>T

Gene: NRXN1 (neurexin 1; minus strand). Cytogenetic location: 2p16.3.
Variant type: single nucleotide variant.
Coding change: c.773-19C>T on transcript NM_001330078.2 (MANE Select); 19 bases into the intron before coding-DNA position 773, C replaced by T.
Molecular consequence: intron variant.
Genome position (GRCh38, 1-based): chr2:50,925,974, G>A on the plus strand (C>T on the coding strand, the complement: NRXN1 is on the minus strand). VCF-style: chr2-50925974-G-A. GRCh37 (hg19) VCF-style: chr2-51153112-G-A.
Other names: c.772+101528C>T (NM_001330096.2, NM_001330087.2, NM_001330083.2 and 1 more transcripts); c.773-3287C>T (NM_001330088.2, NM_001330089.2); c.773-22C>T (NM_001330093.2, NM_001330079.2); c.773-19C>T (NM_001330094.2, NM_001330095.2, NM_001330082.2 and 6 more transcripts); c.872-19C>T (NM_001135659.3).
Identifiers: ClinVar variation 515282 (VCV000515282.6), dbSNP rs569755194, ClinGen allele CA1655343.

ClinVar aggregate classification (germline): Likely benign. Review status: criteria provided, multiple submitters, no conflicts (2 of 4 stars). 2 submissions from 2 submitters: Likely benign (2). Last evaluated 2024-06-25.

Conditions:
Pitt-Hopkins-like syndrome 2 (PTHSL2). Identifiers: Orphanet 221150, Orphanet 600663, MedGen C3280479, MONDO:0013690, OMIM 614325.

Allele frequency attached by ClinVar (database versions not stated): gnomAD exomes below 0.00001; gnomAD 0.00001 and 0.00003; TOPMed 0.00001; ExAC 0.00003; 1000 Genomes Project 30x 0.00016; 1000 Genomes Project 0.00020.
gnomAD v4.1: 5 of 1,567,864 alleles (0.00032%); highest among the groups gnomAD compares: East Asian, 0.0023%; no homozygotes.

Submissions (2):

Labcorp Genetics (formerly Invitae), Labcorp
Classification: Likely benign for Pitt-Hopkins-like syndrome 2. Last evaluated: 2024-06-25. Review status: criteria provided, single submitter. Criteria: Invitae Variant Classification Sherloc (09022015). Collection method: clinical testing. Allele origin: germline.

GeneDx
Classification: Likely benign. Last evaluated: 2018-02-05. Review status: criteria provided, single submitter. Criteria: GeneDx Variant Classification (06012015). Collection method: clinical testing. Allele origin: germline. Affected: yes.
Comment: This variant is considered likely benign or benign based on one or more of the following criteria: it is a conservative change, it occurs at a poorly conserved position in the protein, it is predicted to be benign by multiple in silico algorithms, and/or has population frequency not consistent with disease.